The following is an entry in ClinVar:

ClinVar aggregate classification (germline): Likely benign (0 of 4 stars; one submission).

Conditions:
NRP2-related disorder. Also called: NRP2-related condition.

Allele frequency attached by ClinVar (database versions not stated): TOPMed below 0.00001; gnomAD 0.00001.
gnomAD v4.1: 2 of 1,613,904 alleles (0.00012%); highest among the groups gnomAD compares: Admixed American, 0.0017%; no homozygotes.

Submission:

PreventionGenetics, part of Exact Sciences
Classification: Likely benign for NRP2-related condition. Last evaluated: 2022-01-28. Review status: no assertion criteria provided. Collection method: clinical testing. Allele origin: germline.
Comment: This variant is classified as likely benign based on ACMG/AMP sequence variant interpretation guidelines (Richards et al. 2015 PMID: 25741868, with internal and published modifications).

NM_003872.3(NRP2):c.168G>A (p.Glu56=)

Gene: NRP2 (neuropilin 2; plus strand). Cytogenetic location: 2q33.3.
Variant type: single nucleotide variant.
Coding change: c.168G>A on transcript NM_003872.3 (MANE Select); coding-DNA position 168, G replaced by A.
Protein change: p.Glu56=; no amino-acid change (glutamic acid 56 retained).
Molecular consequence: synonymous variant.
Genome position (GRCh38, 1-based): chr2:205,697,638, G>A. VCF-style: chr2-205697638-G-A. GRCh37 (hg19) VCF-style: chr2-206562362-G-A.
Other names: c.168G>A, p.Glu56= (NM_018534.4, NM_201264.2, NM_201266.2 and 2 more transcripts).
Identifiers: ClinVar variation 3035934 (VCV003035934.2), dbSNP rs1275737785, ClinGen allele CA430910921.